The following is an entry in ClinVar:

ClinVar aggregate classification (germline): Uncertain significance. Review status: criteria provided, multiple submitters, no conflicts (2 of 4 stars). 3 submissions from 3 submitters: Uncertain significance (2). 1 of the submissions does not count toward it. Last evaluated 2025-08-08.

Conditions:
Inborn genetic diseases. Identifiers: MedGen C0950123, MeSH D030342.
Megalencephalic leukoencephalopathy with subcortical cysts. Also called: VAN DER KNAAP DISEASE. Identifiers: Orphanet 2478, MedGen C1858854, MONDO:0011391.

Allele frequency attached by ClinVar (database versions not stated): gnomAD 0.00001; gnomAD exomes 0.00001 and 0.00004; TOPMed 0.00001; ExAC 0.00002; ESP Exome Variant Server 0.00008.
gnomAD v4.1: 57 of 1,613,598 alleles (0.0035%); highest among the groups gnomAD compares: Non-Finnish European, 0.0044%; no homozygotes.

Submissions (3):

Ambry Genetics
Classification: Uncertain significance for Inborn genetic diseases. Last evaluated: 2025-08-08. Review status: criteria provided, single submitter. Criteria: Ambry Variant Classification Scheme 2023. Collection method: clinical testing. Allele origin: germline.

GeneDx
Classification: Uncertain significance. Last evaluated: 2023-03-20. Review status: criteria provided, single submitter. Criteria: GeneDx Variant Classification Process June 2021. Collection method: clinical testing. Allele origin: germline. Affected: yes.
Comment: In silico analysis supports that this missense variant does not alter protein structure/function; Has not been previously published as pathogenic or benign to our knowledge

Natera, Inc.
Classification: Uncertain significance for Megalencephalic leukoencephalopathy with subcortical cysts. Last evaluated: 2020-09-04. Review status: no assertion criteria provided. Collection method: clinical testing. Allele origin: germline. Not counted in ClinVar's aggregate classification.

NM_015166.4(MLC1):c.1081G>A (p.Glu361Lys)

Gene: MLC1 (modulator of VRAC current 1; minus strand). Cytogenetic location: 22q13.33.
Variant type: single nucleotide variant.
Coding change: c.1081G>A on transcript NM_015166.4 (MANE Select); coding-DNA position 1081, G replaced by A.
Protein change: p.Glu361Lys; replaces glutamic acid 361 with lysine.
Molecular consequence: missense variant. On other transcripts: non-coding transcript variant (3).
Genome position (GRCh38, 1-based): chr22:50,061,636, C>T on the plus strand (G>A on the coding strand, the complement: MLC1 is on the minus strand). VCF-style: chr22-50061636-C-T. GRCh37 (hg19) VCF-style: chr22-50500065-C-T.
Other names: c.1081G>A, p.Glu361Lys (NM_001376472.1, NM_001376473.1, NM_001376474.1 and 5 more transcripts); c.1024G>A, p.Glu342Lys (NM_001376479.1); c.991G>A, p.Glu331Lys (NM_001376480.1); c.979G>A, p.Glu327Lys (NM_001376481.1); c.925G>A, p.Glu309Lys (NM_001376482.1, NM_001376483.1); c.844G>A, p.Glu282Lys (NM_001376484.1); c.1081G>A (NM_015166.3); short protein forms E282K, E309K, E327K, E331K, E342K, E361K.
Identifiers: ClinVar variation 990760 (VCV000990760.3), dbSNP rs373419167, ClinGen allele CA10303203.